The following is an entry in ClinVar:

ClinVar aggregate classification (germline): Likely benign (0 of 4 stars; one submission).

Conditions:
CHST8-related disorder. Also called: CHST8-related condition.

gnomAD v4.1: 126 of 1,600,954 alleles (0.0079%); highest among the groups gnomAD compares: Admixed American, 0.21%; no homozygotes.

Submission:

PreventionGenetics, part of Exact Sciences
Classification: Likely benign for CHST8-related condition. Last evaluated: 2024-06-26. Review status: no assertion criteria provided. Collection method: clinical testing. Allele origin: germline.
Comment: This variant is classified as likely benign based on ACMG/AMP sequence variant interpretation guidelines (Richards et al. 2015 PMID: 25741868, with internal and published modifications).

NM_001127895.2(CHST8):c.377C>G (p.Pro126Arg)

Gene: CHST8 (carbohydrate sulfotransferase 8; plus strand). Cytogenetic location: 19q13.11.
Variant type: single nucleotide variant.
Coding change: c.377C>G on transcript NM_001127895.2 (MANE Select); coding-DNA position 377, C replaced by G.
Protein change: p.Pro126Arg; replaces proline 126 with arginine.
Molecular consequence: missense variant.
Genome position (GRCh38, 1-based): chr19:33,772,165, C>G. VCF-style: chr19-33772165-C-G. GRCh37 (hg19) VCF-style: chr19-34263070-C-G.
Other names: c.377C>G, p.Pro126Arg (NM_001127896.2, NM_022467.3); short protein forms P126R.
Identifiers: ClinVar variation 3353231 (VCV003353231.1).
Genomic context (GRCh38, chr19:33,772,165, plus strand): 5'-GGCTCCGCCAGCGCCGTCGCCGTCTGCTCATCAAGAAAATGCCAGCTGCGGCGACCATCC[C>G]GGCCAACAGCTCGGACGCGCCCTTCATCCGGCCGGGACCCGGGACGCTGGATGGCCGCTG-3'
Protein context (NP_001121367.1, residues 116-136): IKKMPAAATI[Pro126Arg]ANSSDAPFIR